The following is an entry in ClinVar:

NM_000277.3(PAH):c.1289T>C (p.Leu430Pro)

Gene: PAH (phenylalanine hydroxylase; minus strand). Cytogenetic location: 12q23.2.
Variant type: single nucleotide variant.
Coding change: c.1289T>C on transcript NM_000277.3 (MANE Select); coding-DNA position 1289, T replaced by C.
Protein change: p.Leu430Pro; replaces leucine 430 with proline.
Molecular consequence: missense variant.
Genome position (GRCh38, 1-based): chr12:102,840,426, A>G on the plus strand (T>C on the coding strand, the complement: PAH is on the minus strand). VCF-style: chr12-102840426-A-G. GRCh37 (hg19) VCF-style: chr12-103234204-A-G.
Other names: NM_000277.1(PAH):c.1289T>C; c.1289T>C, p.Leu430Pro (NM_001354304.2); short protein forms L430P.
Identifiers: ClinVar variation 102585 (VCV000102585.4), dbSNP rs199475607, ClinGen allele CA229426.

ClinVar aggregate classification (germline): Likely pathogenic. Review status: reviewed by expert panel (3 of 4 stars). 4 submissions from 4 submitters: Likely pathogenic (1). 3 of the submissions do not count toward it. Last evaluated 2020-08-17.

Conditions:
Phenylketonuria (PKU). Also called: Phenylketonuria (PKU); FOLLING DISEASE; OLIGOPHRENIA PHENYLPYRUVICA; Phenylketonurias. Identifiers: Orphanet 716, MedGen C0031485, MONDO:0009861, OMIM 261600. Disease mechanism: loss of function.

Submissions (4):

ClinGen PAH Variant Curation Expert Panel
Classification: Likely pathogenic for Phenylketonuria. Last evaluated: 2020-08-17. Review status: reviewed by expert panel. Criteria: ClinGen PAH ACMG Specifications v1. Collection method: curation. Allele origin: germline. Inheritance: Autosomal recessive inheritance.
Comment: The c.1289T>C (p.Leu430Pro) variant in PAH has been reported in multiple individuals with PAH deficiency (BH4 deficiency excluded, PMID: 21307867). This variant is absent in population databases. This variant was detected with pathogenic variants: p.R241C (PMID: 21147011); p.S70del, p.R241C (PMID: 30050108); c.728G>A, p.R243Q (PMID: 31355225). Computational evidence support a deleterious effect. In summary, this variant meets criteria to be classified as likely pathogenic for PAH. PAH-specific ACMG/AMP criteria applied: PP4_Moderate, PM2, PM3_strong, PP3.

Myriad Genetics, Inc.
Classification: Likely pathogenic for Phenylketonuria. Last evaluated: 2025-06-10. Review status: criteria provided, single submitter. Criteria: Myriad Autosomal Dominant, Autosomal Recessive and X-Linked Classification Criteria (2023). Collection method: clinical testing. Allele origin: unknown. Not counted in ClinVar's aggregate classification.
Comment: NM_000277.1(PAH):c.1289T>C(L430P) is a missense variant classified as likely pathogenic in the context of phenylalanine hydroxylase deficiency. L430P has been observed in cases with relevant disease (PMID: 21147011, 31355225, 30050108). Relevant functional assessments of this variant are not available in the literature. L430P has not been observed in referenced population frequency databases. In summary, NM_000277.1(PAH):c.1289T>C(L430P) is a missense variant that has been observed more frequently in cases with the relevant disease than in healthy populations. Please note: this variant was assessed in the context of healthy population screening.

Labcorp Genetics (formerly Invitae), Labcorp
Classification: Pathogenic for Phenylketonuria. Last evaluated: 2025-05-15. Review status: criteria provided, single submitter. Criteria: Invitae Variant Classification Sherloc (09022015). Collection method: clinical testing. Allele origin: germline. Not counted in ClinVar's aggregate classification.
Comment: This sequence change replaces leucine, which is neutral and non-polar, with proline, which is neutral and non-polar, at codon 430 of the PAH protein (p.Leu430Pro). This variant is not present in population databases (gnomAD no frequency). This missense change has been observed in individual(s) with hyperphenylalaninemia (PMID: 21307867, 29499199, 30747360, 31355225, 32668217). ClinVar contains an entry for this variant (Variation ID: 102585). Invitae Evidence Modeling of protein sequence and biophysical properties (such as structural, functional, and spatial information, amino acid conservation, physicochemical variation, residue mobility, and thermodynamic stability) indicates that this missense variant is not expected to disrupt PAH protein function with a negative predictive value of 80%. This variant disrupts the p.Leu430 amino acid residue in PAH. Other variant(s) that disrupt this residue have been observed in individuals with PAH-related conditions (PMID: 36845377), which suggests that this may be a clinically significant amino acid residue. For these reasons, this variant has been classified as Pathogenic.

DeBelle Laboratory for Biochemical Genetics, MUHC/MCH RESEARCH INSTITUTE
No classification provided. Review status: no classification provided. Collection method: not provided. Allele origin: not provided. Not counted in ClinVar's aggregate classification.

Literature cited by the submitters: PubMed 21307867 (cited by ClinGen PAH Variant Curation Expert Panel and Labcorp Genetics (formerly Invitae), Labcorp); PubMed 21147011 (cited by ClinGen PAH Variant Curation Expert Panel and Myriad Genetics, Inc.); PubMed 30050108 (cited by Myriad Genetics, Inc.); PubMed 31355225 (cited by Myriad Genetics, Inc. and Labcorp Genetics (formerly Invitae), Labcorp); PubMed 29499199 (cited by Labcorp Genetics (formerly Invitae), Labcorp); PubMed 30747360 (cited by Labcorp Genetics (formerly Invitae), Labcorp); PubMed 32668217 (cited by Labcorp Genetics (formerly Invitae), Labcorp); PubMed 36845377 (cited by Labcorp Genetics (formerly Invitae), Labcorp).